The following is an entry in ClinVar:

NM_024513.4(FYCO1):c.1924del (p.Leu642fs)

Gene: FYCO1 (FYVE and coiled-coil domain autophagy adaptor 1; minus strand). Cytogenetic location: 3p21.31.
Variant type: Deletion.
Coding change: c.1924del on transcript NM_024513.4 (MANE Select); coding-DNA position 1924, one base deleted (C; older notation c.1924delC).
Protein change: p.Leu642fs; shifts the reading frame from leucine 642.
Molecular consequence: frameshift variant. On other transcripts: non-coding transcript variant (1).
Genome position (GRCh38, 1-based): chr3:45,967,410, G deleted on the plus strand (C on the coding strand, the reverse complement: FYCO1 is on the minus strand); the first of 3 consecutive G bases (chr3:45,967,410-45,967,412); deleting any one gives the same sequence. VCF-style (leftmost placement, unchanged base first): chr3-45967409-AG-A. GRCh37 (hg19) VCF-style: chr3-46008901-AG-A.
Other names: c.1924del, p.Leu642fs (NM_001386421.1, NM_001386422.1, NM_001386423.1 and 4 more transcripts); c.1804del, p.Leu602fs (NM_001386426.1); c.1780del, p.Leu594fs (NM_001386427.1); c.1324del, p.Leu442fs (NM_001386430.1); c.1924delC (NM_024513.4); short protein forms L442fs, L594fs, L602fs, L642fs.
Identifiers: ClinVar variation 3256945 (VCV003256945.1).
Genomic context (GRCh38, chr3:45,967,409, plus strand): 5'-GAGGCCAAGGAGCCCTGGATGGCTGATTCCCGCTGCTGCAAAGCCTGGTAATCGGCCTGC[AG>A]GGCTTGCAGCTTGCCCTCCAGGAGCTGGTTACGCCCGACCACATTCTGTAGCTCCTTCTC-3'

ClinVar aggregate classification (germline): Likely pathogenic (1 of 4 stars; one submission).

Conditions:
Susceptibility to severe COVID-19.

Submission:

Molecular Medicine Center, Medical University of Sofia
Classification: Likely pathogenic for Susceptibility to severe COVID-19. Last evaluated: 2024-07-22. Review status: criteria provided, single submitter. Criteria: ACMG Guidelines, 2015. Collection method: research. Allele origin: germline. Affected: yes.
Comment: Novel (unreported in gnomAD or dbSNP until April 2024) variant found in severely infected COVID-19 Bulgarian patients in a research study. Variant is classified as likely pathogenic according to the ACMG criteria: PM2,PVS1.